The following is an entry in ClinVar:

ClinVar aggregate classification (germline): Uncertain significance. Review status: criteria provided, multiple submitters, no conflicts (2 of 4 stars). 2 submissions from 2 submitters: Uncertain significance (2). Last evaluated 2022-09-02.

Allele frequency attached by ClinVar (database versions not stated): gnomAD exomes below 0.00001.

Submissions (2):

Women's Health and Genetics/Laboratory Corporation of America, LabCorp
Classification: Uncertain significance. Last evaluated: 2022-09-02. Review status: criteria provided, single submitter. Criteria: LabCorp Variant Classification Summary - May 2015. Collection method: clinical testing. Allele origin: germline.
Comment: Variant summary: HBB c.-8C>G is located in the untranslated mRNA region upstream of the initiation codon. 4/4 computational tools predict no significant impact on normal splicing. However, these predictions have yet to be confirmed by functional studies. The variant allele was found at a frequency of 4e-06 in 251052 control chromosomes (gnomAD). The available data on variant occurrences in the general population are insufficient to allow any conclusion about variant significance. c.-8C>G has been reported in the literature in al-least one heterozygous individual (example: Hamid_2020). This report does not provide unequivocal conclusions about association of the variant with Hemoglobinopathy. To our knowledge, no experimental evidence demonstrating an impact on protein function has been reported. No clinical diagnostic laboratories have submitted clinical-significance assessments for this variant to ClinVar after 2014. Based on the evidence outlined above, the variant was classified as uncertain significance.

Labcorp Genetics (formerly Invitae), Labcorp
Classification: Uncertain significance. Last evaluated: 2022-01-11. Review status: criteria provided, single submitter. Criteria: Invitae Variant Classification Sherloc (09022015). Collection method: clinical testing. Allele origin: germline.
Comment: This variant occurs in a non-coding region of the HBB gene. It does not change the encoded amino acid sequence of the HBB protein. This variant is present in population databases (no rsID available, gnomAD 0.003%). This variant has not been reported in the literature in individuals affected with HBB-related conditions. ClinVar contains an entry for this variant (Variation ID: 1301330). In summary, the available evidence is currently insufficient to determine the role of this variant in disease. Therefore, it has been classified as a Variant of Uncertain Significance.

Literature cited by the submitters: PubMed 32672086 (cited by Women's Health and Genetics/Laboratory Corporation of America, LabCorp).

NM_000518.5(HBB):c.-8C>G

Genes: HBB (hemoglobin subunit beta; minus strand), LOC106099062 (HBB recombination region; plus strand), LOC107133510 (origin of replication at HBB; plus strand). Cytogenetic location: 11p15.4.
Variant type: single nucleotide variant.
Coding change: c.-8C>G on transcript NM_000518.5 (MANE Select); 8 bases upstream of the start codon, C replaced by G.
Molecular consequence: 5 prime UTR variant.
Genome position (GRCh38, 1-based): chr11:5,227,029, G>C on the plus strand (C>G on the coding strand, the complement: HBB is on the minus strand). VCF-style: chr11-5227029-G-C. GRCh37 (hg19) VCF-style: chr11-5248259-G-C.
Identifiers: ClinVar variation 1301330 (VCV001301330.4), dbSNP rs1319747765, ClinGen allele CA597436139.